The following is an entry in ClinVar:

NM_000059.4(BRCA2):c.6872A>G (p.Asn2291Ser)

Gene: BRCA2 (BRCA2 DNA repair associated; plus strand). Cytogenetic location: 13q13.1.
Variant type: single nucleotide variant.
Coding change: c.6872A>G on transcript NM_000059.4 (MANE Select); coding-DNA position 6872, A replaced by G.
Protein change: p.Asn2291Ser; replaces asparagine 2291 with serine.
Molecular consequence: missense variant.
Genome position (GRCh38, 1-based): chr13:32,344,588, A>G. VCF-style: chr13-32344588-A-G. GRCh37 (hg19) VCF-style: chr13-32918725-A-G.
Other names: short protein forms N2291S.
Identifiers: ClinVar variation 969284 (VCV000969284.10), dbSNP rs2072597793, ClinGen allele CA387792722.
Genomic context (GRCh38, chr13:32,344,588, plus strand): 5'-TAAAAACATATATGAAATATTTCTTTTTAGGAGAACCCTCAATCAAAAGAAACTTATTAA[A>G]TGAATTTGACAGGATAATAGAAAATCAAGAAAAATCCTTAAAGGCTTCAAAAAGCACTCC-3'
Protein context (NP_000050.3, residues 2281-2301): GEPSIKRNLL[Asn2291Ser]EFDRIIENQE

ClinVar aggregate classification (germline): Uncertain significance (1 of 4 stars; one submission).

Conditions:
Hereditary breast ovarian cancer syndrome. Also called: BRCA1- and BRCA2-Associated Hereditary Breast and Ovarian Cancer; Hereditary breast and ovarian cancer; Hereditary breast and ovarian cancer syndrome; Hereditary breast and/or ovarian cancer syndrome; Hereditary breast and ovarian cancer syndrome (HBOC); Breast and ovarian cancer. Identifiers: Orphanet 145, MedGen C0677776, MeSH D061325, MONDO:0003582. Disease mechanism: loss of function.

Submission:

Labcorp Genetics (formerly Invitae), Labcorp
Classification: Uncertain significance for Hereditary breast ovarian cancer syndrome. Last evaluated: 2019-10-15. Review status: criteria provided, single submitter. Criteria: Invitae Variant Classification Sherloc (09022015). Collection method: clinical testing. Allele origin: germline.
Comment: This variant is not present in population databases (ExAC no frequency). This sequence change replaces asparagine with serine at codon 2291 of the BRCA2 protein (p.Asn2291Ser). The asparagine residue is weakly conserved and there is a small physicochemical difference between asparagine and serine. This variant has not been reported in the literature in individuals with BRCA2-related conditions. In summary, the available evidence is currently insufficient to determine the role of this variant in disease. Therefore, it has been classified as a Variant of Uncertain Significance. Algorithms developed to predict the effect of missense changes on protein structure and function are either unavailable or do not agree on the potential impact of this missense change (SIFT: "Tolerated"; PolyPhen-2: "Probably Damaging"; Align-GVGD: "Class C0").